The following is an entry in ClinVar:

ClinVar aggregate classification (germline): Uncertain significance (0 of 4 stars; one submission).

Conditions:
MRAP2-related disorder. Also called: MRAP2-related condition.

Submission:

PreventionGenetics, part of Exact Sciences
Classification: Uncertain significance for MRAP2-related condition. Last evaluated: 2023-10-31. Review status: no assertion criteria provided. Collection method: clinical testing. Allele origin: germline.
Comment: The MRAP2 c.453T>G variant is predicted to result in the amino acid substitution p.Ser151Arg. To our knowledge, this variant has not been reported in the literature or in a large population database, indicating this variant is rare. At this time, the clinical significance of this variant is uncertain due to the absence of conclusive functional and genetic evidence.

NM_138409.4(MRAP2):c.453T>G (p.Ser151Arg)

Gene: MRAP2 (melanocortin 2 receptor accessory protein 2; plus strand). Cytogenetic location: 6q14.2.
Variant type: single nucleotide variant.
Coding change: c.453T>G on transcript NM_138409.4 (MANE Select); coding-DNA position 453, T replaced by G.
Protein change: p.Ser151Arg; replaces serine 151 with arginine.
Molecular consequence: missense variant.
Genome position (GRCh38, 1-based): chr6:84,089,316, T>G. VCF-style: chr6-84089316-T-G. GRCh37 (hg19) VCF-style: chr6-84799035-T-G.
Other names: c.195T>G, p.Ser65Arg (NM_001346541.2); c.453T>G, p.Ser151Arg (NM_001346542.2, NM_001346544.2); c.288T>G, p.Ser96Arg (NM_001346543.2); short protein forms S151R, S65R, S96R.
Identifiers: ClinVar variation 3352531 (VCV003352531.1).